The following is an entry in ClinVar:

NM_014634.4(PPM1F):c.-6T>C

Gene: PPM1F (protein phosphatase, Mg2+/Mn2+ dependent 1F; minus strand). Cytogenetic location: 22q11.22.
Variant type: single nucleotide variant.
Coding change: c.-6T>C on transcript NM_014634.4 (MANE Select); 6 bases upstream of the start codon, T replaced by C.
Molecular consequence: 5 prime UTR variant. On other transcripts: intron variant (1).
Genome position (GRCh38, 1-based): chr22:21,946,054, A>G on the plus strand (T>C on the coding strand, the complement: PPM1F is on the minus strand). VCF-style: chr22-21946054-A-G. GRCh37 (hg19) VCF-style: chr22-22300426-A-G.
Other names: c.-298-6374T>C (NM_001410836.1).
Identifiers: ClinVar variation 4981376 (VCV004981376.1).

ClinVar aggregate classification (germline): Likely benign (1 of 4 stars; one submission).

Conditions:
PPM1F-related condition.

gnomAD v4.1: 316 of 1,511,496 alleles (0.021%); highest among the groups gnomAD compares: South Asian, 0.16%; 2 homozygotes.

Submission:

PreventionGenetics, part of Exact Sciences
Classification: Likely benign for PPM1F-related condition. Last evaluated: 2026-04-15. Review status: criteria provided, single submitter. Criteria: ACMG Guidelines, 2015. Collection method: clinical testing. Allele origin: germline.
Comment: This variant is classified as likely benign based on ACMG/AMP sequence variant interpretation guidelines (Richards et al. 2015 PMID: 25741868, with internal and published modifications).